The following is an entry in ClinVar:

NM_015047.3(EMC1):c.950del (p.Pro317fs)

Genes: EMC1 (ER membrane protein complex subunit 1; minus strand), EMC1-AS1 (EMC1 antisense RNA 1; plus strand). Cytogenetic location: 1p36.13.
Variant type: Deletion.
Coding change: c.950del on transcript NM_015047.3 (MANE Select); coding-DNA position 950, one base deleted (C; older notation c.950delC).
Protein change: p.Pro317fs; shifts the reading frame from proline 317.
Molecular consequence: frameshift variant.
Genome position (GRCh38, 1-based): chr1:19,239,822, G deleted on the plus strand (C on the coding strand, the reverse complement: EMC1 is on the minus strand); the first of 3 consecutive G bases (chr1:19,239,822-19,239,824); deleting any one gives the same sequence. VCF-style (leftmost placement, unchanged base first): chr1-19239821-TG-T. GRCh37 (hg19) VCF-style: chr1-19566315-TG-T.
Other names: c.950del, p.Pro317fs (NM_001271427.2, NM_001271428.2, NM_001375820.1 and 1 more transcripts); c.884del, p.Pro295fs (NM_001271429.2); short protein forms P295fs, P317fs.
Identifiers: ClinVar variation 2714156 (VCV002714156.3), dbSNP rs1265411161, ClinGen allele CA521516924.
Genomic context (GRCh38, chr1:19,239,821, plus strand): 5'-CATCCATGTCTTGGAGAGATCTCCTGAATCCTAGCAAACCATGTTGCCTGCAGTTACCTG[TG>T]GGAAGTTTTTAAGCAAACTCAGCGTTCCATAATGGTACTGCAGCAGAGCATAGTGGCTTG-3'

ClinVar aggregate classification (germline): Pathogenic (1 of 4 stars; one submission).

Submission:

Labcorp Genetics (formerly Invitae), Labcorp
Classification: Pathogenic. Last evaluated: 2024-03-12. Review status: criteria provided, single submitter. Criteria: Invitae Variant Classification Sherloc (09022015). Collection method: clinical testing. Allele origin: germline.
Comment: This sequence change creates a premature translational stop signal (p.Pro317Hisfs*5) in the EMC1 gene. It is expected to result in an absent or disrupted protein product. Loss-of-function variants in EMC1 are known to be pathogenic (PMID: 26572623, 26942288, 29271071). This variant is present in population databases (no rsID available, gnomAD 0.007%). This variant has not been reported in the literature in individuals affected with EMC1-related conditions. For these reasons, this variant has been classified as Pathogenic.

Literature cited by the submitters: PubMed 26572623; PubMed 26942288; PubMed 29271071.